The following is an entry in ClinVar:

ClinVar aggregate classification (germline): Uncertain significance (1 of 4 stars; one submission).

Conditions:
Severe combined immunodeficiency due to DNA-PKcs deficiency. Also called: IMMUNODEFICIENCY 26 WITH NEUROLOGIC ABNORMALITIES; Immunodeficiency 26 with or without neurologic abnormalities. Identifiers: Orphanet 317425, MedGen C4014833, MONDO:0014423, OMIM 615966.

Submission:

Labcorp Genetics (formerly Invitae), Labcorp
Classification: Uncertain significance for Severe combined immunodeficiency due to DNA-PKcs deficiency. Last evaluated: 2021-12-15. Review status: criteria provided, single submitter. Criteria: Invitae Variant Classification Sherloc (09022015). Collection method: clinical testing. Allele origin: germline.
Comment: This sequence change replaces methionine, which is neutral and non-polar, with leucine, which is neutral and non-polar, at codon 3242 of the PRKDC protein (p.Met3242Leu). This variant is not present in population databases (gnomAD no frequency). This variant has not been reported in the literature in individuals affected with PRKDC-related conditions. ClinVar contains an entry for this variant (Variation ID: 663764). In summary, the available evidence is currently insufficient to determine the role of this variant in disease. Therefore, it has been classified as a Variant of Uncertain Significance.

NM_006904.7(PRKDC):c.9724A>T (p.Met3242Leu)

Gene: PRKDC (protein kinase, DNA-activated, catalytic subunit; minus strand). Cytogenetic location: 8q11.21.
Variant type: single nucleotide variant.
Coding change: c.9724A>T on transcript NM_006904.7 (MANE Select); coding-DNA position 9724, A replaced by T.
Protein change: p.Met3242Leu; replaces methionine 3242 with leucine.
Molecular consequence: missense variant.
Genome position (GRCh38, 1-based): chr8:47,807,160, T>A on the plus strand (A>T on the coding strand, the complement: PRKDC is on the minus strand). VCF-style: chr8-47807160-T-A. GRCh37 (hg19) VCF-style: chr8-48719721-T-A.
Other names: c.9724A>T, p.Met3242Leu (NM_001081640.2); short protein forms M3242L.
Identifiers: ClinVar variation 663764 (VCV000663764.5), dbSNP rs775383563, ClinGen allele CA371137138.
Genomic context (GRCh38, chr8:47,807,160, plus strand): 5'-CTGTGACACAGCAGGGAGGACAGACACGAGTACCCACCTGCTTCCGGGCACTGTCTATCA[T>A]CTTCATTTTCATGGAAAACTTGCAACTCCTGATCAGGGAGCTGATATCTTCTTCCTGCTC-3'
Protein context (NP_008835.5, residues 3232-3252): RSCKFSMKMK[Met3242Leu]IDSARKQNNF